The following is an entry in ClinVar:

NM_003628.6(PKP4):c.2992C>T (p.Arg998Trp)

Genes: PKP4 (plakophilin 4; plus strand), PKP4-AS1 (PKP4 antisense RNA 1; minus strand). Cytogenetic location: 2q24.1.
Variant type: single nucleotide variant.
Coding change: c.2992C>T on transcript NM_003628.6 (MANE Select); coding-DNA position 2992, C replaced by T.
Protein change: p.Arg998Trp; replaces arginine 998 with tryptophan.
Molecular consequence: missense variant.
Genome position (GRCh38, 1-based): chr2:158,673,744, C>T. VCF-style: chr2-158673744-C-T. GRCh37 (hg19) VCF-style: chr2-159530256-C-T.
Other names: c.2992C>T, p.Arg998Trp (NM_001005476.4, NM_001377218.1, NM_001377225.1); c.2989C>T, p.Arg997Trp (NM_001304969.3, NM_001377219.1, NM_001377220.1 and 2 more transcripts); c.1963C>T, p.Arg655Trp (NM_001304970.3); c.2986C>T, p.Arg996Trp (NM_001377222.1, NM_001377223.1); c.2983C>T, p.Arg995Trp (NM_001377224.1); short protein forms R996W, R655W, R995W, R997W, R998W.
Identifiers: ClinVar variation 2448024 (VCV002448024.2), dbSNP rs2057766975, ClinGen allele CA348906591.

ClinVar aggregate classification (germline): Uncertain significance (1 of 4 stars; one submission).

Allele frequency attached by ClinVar (database versions not stated): gnomAD exomes below 0.00001.
gnomAD v4.1: 6 of 1,611,870 alleles (0.00037%); highest among the groups gnomAD compares: East Asian, 0.0022%; no homozygotes.

Submission:

Ambry Genetics
Classification: Uncertain significance. Last evaluated: 2023-01-16. Review status: criteria provided, single submitter. Criteria: Ambry Variant Classification Scheme 2023. Collection method: clinical testing. Allele origin: germline.
Comment: The p.R998W variant (also known as c.2992C>T), located in coding exon 17 of the PKP4 gene, results from a C to T substitution at nucleotide position 2992. The arginine at codon 998 is replaced by tryptophan, an amino acid with dissimilar properties. This amino acid position is conserved. In addition, this alteration is predicted to be deleterious by in silico analysis. Since supporting evidence is limited at this time, the clinical significance of this alteration remains unclear.